The following is an entry in ClinVar:

NC_000017.10:g.(41219713_41222944)_(41223256_41226347)del

Gene: BRCA1 (BRCA1 DNA repair associated; minus strand). Cytogenetic location: 17q21.31.
Variant type: Deletion.
Identifiers: ClinVar variation 1878369 (VCV001878369.1).

ClinVar aggregate classification (germline): Pathogenic (1 of 4 stars; one submission).

Conditions:
Hereditary breast ovarian cancer syndrome. Also called: Hereditary breast and ovarian cancer; Breast and ovarian cancer; Hereditary breast and/or ovarian cancer syndrome; BRCA1- and BRCA2-Associated Hereditary Breast and Ovarian Cancer; Hereditary breast and ovarian cancer syndrome; Hereditary breast and ovarian cancer syndrome (HBOC). Identifiers: Orphanet 145, MedGen C0677776, MeSH D061325, MONDO:0003582. Disease mechanism: loss of function.

Submission:

Women's Health and Genetics/Laboratory Corporation of America, LabCorp
Classification: Pathogenic for Hereditary breast ovarian cancer syndrome. Last evaluated: 2022-12-22. Review status: criteria provided, single submitter. Criteria: LabCorp Variant Classification Summary - May 2015. Collection method: clinical testing. Allele origin: germline.
Comment: Variant summary: The variant identified by MLPA or other technology involves the deletion of exon 15 (legacy exon 16) in the BRCA1 gene. A presumed nomenclature of c.(4675+1_4676-1)_(4986+1_4987-1)del has been designated for the purposes of this classification. Although the exact breakpoints of this deletion are not known, it is expected to result in a frameshift in the BRCA1 gene, a known mechanism of disease. The variant was absent in 21690 control chromosomes (gnomAD Structural Variants dataset). c.(4675+1_4676-1)_(4986+1_4987-1)del has been reported in the literature in individuals affected with Hereditary Breast And Ovarian Cancer (Engbert_2008). These data indicate that the variant may be associated with disease. To our knowledge, no experimental evidence demonstrating an impact on protein function has been reported. One ClinVar submitter has assessed the variant since 2014: the variant was classified as pathogenic. Based on the evidence outlined above, the variant was classified as pathogenic.

Literature cited by the submitters: PubMed 18431737; PubMed 29339979.